The following is an entry in ClinVar:

NM_012448.4(STAT5B):c.1775+3G>A

Gene: STAT5B (signal transducer and activator of transcription 5B; minus strand). Cytogenetic location: 17q21.2.
Variant type: single nucleotide variant.
Coding change: c.1775+3G>A on transcript NM_012448.4 (MANE Select); 3 bases into the intron after coding-DNA position 1775, G replaced by A.
Molecular consequence: intron variant.
Genome position (GRCh38, 1-based): chr17:42,210,400, C>T on the plus strand (G>A on the coding strand, the complement: STAT5B is on the minus strand). VCF-style: chr17-42210400-C-T. GRCh37 (hg19) VCF-style: chr17-40362418-C-T.
Identifiers: ClinVar variation 1000937 (VCV001000937.7), dbSNP rs1171483179, ClinGen allele CA626217947.

ClinVar aggregate classification (germline): Uncertain significance (1 of 4 stars; one submission).

Conditions:
Growth hormone insensitivity with immune dysregulation 1, autosomal recessive. Also called: GROWTH HORMONE INSENSITIVITY SYNDROME WITH IMMUNE DYSREGULATION 1, AUTOSOMAL RECESSIVE; GROWTH HORMONE INSENSITIVITY DUE TO POSTRECEPTOR DEFECT; LARON SYNDROME DUE TO POSTRECEPTOR DEFECT; Laron syndrome with immunodeficiency. Identifiers: Orphanet 220465, MedGen C5435698, MONDO:0100211, OMIM 245590.

Allele frequency attached by ClinVar (database versions not stated): gnomAD exomes below 0.00001 and 0.00001; TOPMed 0.00001; gnomAD 0.00002.
gnomAD v4.1: 19 of 1,613,980 alleles (0.0012%); highest among the groups gnomAD compares: Non-Finnish European, 0.0015%; no homozygotes.

Submission:

Labcorp Genetics (formerly Invitae), Labcorp
Classification: Uncertain significance for Growth hormone insensitivity with immune dysregulation 1, autosomal recessive. Last evaluated: 2025-03-10. Review status: criteria provided, single submitter. Criteria: Invitae Variant Classification Sherloc (09022015). Collection method: clinical testing. Allele origin: germline.
Comment: This sequence change falls in intron 14 of the STAT5B gene. It does not directly change the encoded amino acid sequence of the STAT5B protein. It affects a nucleotide within the consensus splice site. This variant is present in population databases (no rsID available, gnomAD 0.0009%). This variant has not been reported in the literature in individuals affected with STAT5B-related conditions. ClinVar contains an entry for this variant (Variation ID: 1000937). Variants that disrupt the consensus splice site are a relatively common cause of aberrant splicing (PMID: 17576681, 9536098). Algorithms developed to predict the effect of sequence changes on RNA splicing suggest that this variant is not likely to affect RNA splicing. In summary, the available evidence is currently insufficient to determine the role of this variant in disease. Therefore, it has been classified as a Variant of Uncertain Significance.

Literature cited by the submitters: PubMed 17576681; PubMed 9536098.